The following is an entry in ClinVar:

ClinVar aggregate classification (germline): Uncertain significance. Review status: criteria provided, multiple submitters, no conflicts (2 of 4 stars). 3 submissions from 3 submitters: Uncertain significance (3). Last evaluated 2025-08-06.

Conditions:
Charcot-Marie-Tooth disease type 2A1. Also called: CHARCOT-MARIE-TOOTH DISEASE, AXONAL, TYPE 2A1; CHARCOT-MARIE-TOOTH DISEASE, AXONAL, AUTOSOMAL DOMINANT, TYPE 2A1; CHARCOT-MARIE-TOOTH DISEASE, NEURONAL, TYPE 2A1; CHARCOT-MARIE-TOOTH NEUROPATHY, TYPE 2A1; HEREDITARY MOTOR AND SENSORY NEUROPATHY IIA1. Identifiers: Orphanet 99946, MedGen C1861678, MONDO:0007308, OMIM 118210.
Charcot-Marie-Tooth disease type 2. Also called: Charcot-Marie-Tooth type 2. Identifiers: Orphanet 64746, MedGen C0270914, MONDO:0018993.

Allele frequency attached by ClinVar (database versions not stated): gnomAD exomes below 0.00001; gnomAD 0.00001; TOPMed below 0.00001.
gnomAD v4.1: 3 of 1,613,950 alleles (0.00019%); highest among the groups gnomAD compares: African/African-American, 0.004%; no homozygotes.

Submissions (3):

Ambry Genetics
Classification: Uncertain significance. Last evaluated: 2025-08-06. Review status: criteria provided, single submitter. Criteria: Ambry Variant Classification Scheme 2023. Collection method: clinical testing. Allele origin: germline.

Labcorp Genetics (formerly Invitae), Labcorp
Classification: Uncertain significance for Charcot-Marie-Tooth disease type 2. Last evaluated: 2022-08-30. Review status: criteria provided, single submitter. Criteria: Invitae Variant Classification Sherloc (09022015). Collection method: clinical testing. Allele origin: germline.
Comment: In summary, the available evidence is currently insufficient to determine the role of this variant in disease. Therefore, it has been classified as a Variant of Uncertain Significance. Algorithms developed to predict the effect of missense changes on protein structure and function are either unavailable or do not agree on the potential impact of this missense change (SIFT: "Deleterious"; PolyPhen-2: "Probably Damaging"; Align-GVGD: "Class C0"). This variant has not been reported in the literature in individuals affected with KIF1B-related conditions. This variant is present in population databases (no rsID available, gnomAD 0.007%). This sequence change replaces glycine, which is neutral and non-polar, with arginine, which is basic and polar, at codon 1113 of the KIF1B protein (p.Gly1113Arg).

Revvity Omics, Revvity
Classification: Uncertain significance for Charcot-Marie-Tooth disease type 2A1. Last evaluated: 2020-11-30. Review status: criteria provided, single submitter. Criteria: ACMG Guidelines, 2015. Collection method: clinical testing. Allele origin: germline.

NM_001365951.3(KIF1B):c.3475G>C (p.Gly1159Arg)

Gene: KIF1B (kinesin family member 1B; plus strand). Cytogenetic location: 1p36.22.
Variant type: single nucleotide variant.
Coding change: c.3475G>C on transcript NM_001365951.3 (MANE Select); coding-DNA position 3475, G replaced by C.
Protein change: p.Gly1159Arg; replaces glycine 1159 with arginine.
Molecular consequence: missense variant.
Genome position (GRCh38, 1-based): chr1:10,339,821, G>C. VCF-style: chr1-10339821-G-C. GRCh37 (hg19) VCF-style: chr1-10399879-G-C.
Other names: c.3475G>C, p.Gly1159Arg (NM_001365952.1); c.3337G>C, p.Gly1113Arg (NM_015074.3); short protein forms G1113R, G1159R.
Identifiers: ClinVar variation 1730364 (VCV001730364.11), dbSNP rs1194469975, ClinGen allele CA338341094.